The following is an entry in ClinVar:

NM_177550.5(SLC13A5):c.43G>A (p.Val15Met)

Gene: SLC13A5 (solute carrier family 13 member 5; minus strand). Cytogenetic location: 17p13.1.
Variant type: single nucleotide variant.
Coding change: c.43G>A on transcript NM_177550.5 (MANE Select); coding-DNA position 43, G replaced by A.
Protein change: p.Val15Met; replaces valine 15 with methionine.
Molecular consequence: missense variant.
Genome position (GRCh38, 1-based): chr17:6,713,291, C>T on the plus strand (G>A on the coding strand, the complement: SLC13A5 is on the minus strand). VCF-style: chr17-6713291-C-T. GRCh37 (hg19) VCF-style: chr17-6616610-C-T.
Other names: c.43G>A (NM_177550.4); c.43G>A, p.Val15Met (NM_001143838.3, NM_001284509.2, NM_001284510.2); short protein forms V15M.
Identifiers: ClinVar variation 1400146 (VCV001400146.9), dbSNP rs1223974189, ClinGen allele CA397753896.

ClinVar aggregate classification (germline): Uncertain significance. Review status: criteria provided, multiple submitters, no conflicts (2 of 4 stars). 2 submissions from 2 submitters: Uncertain significance (2). Last evaluated 2023-06-14.

Conditions:
Developmental and epileptic encephalopathy, 25 (DEE25). Also called: Epileptic encephalopathy, early infantile, 25; Developmental and epileptic encephalopathy 25, with amelogenesis imperfecta; Epileptic encephalopathy, early infantile, 25, with amelogenesis imperfecta. Identifiers: Orphanet 442835, MedGen C4014621, MONDO:0014392, OMIM 615905.

Allele frequency attached by ClinVar (database versions not stated): gnomAD exomes below 0.00001.
gnomAD v4.1: 1 of 1,614,018 alleles (0.000062%); highest among the groups gnomAD compares: Non-Finnish European, 0.000085%; no homozygotes.

Submissions (2):

Athena Diagnostics
Classification: Uncertain significance. Last evaluated: 2023-06-14. Review status: criteria provided, single submitter. Criteria: Athena Diagnostics Criteria. Collection method: clinical testing. Allele origin: unknown.
Comment: Available data are insufficient to determine the clinical significance of the variant at this time. This variant has not been reported in large, multi-ethnic general populations. Computational tools predict that this variant is not damaging.

Labcorp Genetics (formerly Invitae), Labcorp
Classification: Uncertain significance for Developmental and epileptic encephalopathy, 25. Last evaluated: 2021-07-01. Review status: criteria provided, single submitter. Criteria: Invitae Variant Classification Sherloc (09022015). Collection method: clinical testing. Allele origin: germline.
Comment: This sequence change replaces valine with methionine at codon 15 of the SLC13A5 protein (p.Val15Met). The valine residue is weakly conserved and there is a small physicochemical difference between valine and methionine. This variant is not present in population databases (ExAC no frequency). This variant has not been reported in the literature in individuals affected with SLC13A5-related conditions. Algorithms developed to predict the effect of missense changes on protein structure and function (SIFT, PolyPhen-2, Align-GVGD) all suggest that this variant is likely to be tolerated. In summary, the available evidence is currently insufficient to determine the role of this variant in disease. Therefore, it has been classified as a Variant of Uncertain Significance.